The following is an entry in ClinVar:

NM_198239.2(CCN6):c.804C>T (p.Cys268=)

Gene: CCN6 (cellular communication network factor 6; plus strand). Cytogenetic location: 6q21.
Variant type: single nucleotide variant.
Coding change: c.804C>T on transcript NM_198239.2 (MANE Select); coding-DNA position 804, C replaced by T.
Protein change: p.Cys268=; no amino-acid change (cysteine 268 retained).
Molecular consequence: synonymous variant. On other transcripts: non-coding transcript variant (2).
Genome position (GRCh38, 1-based): chr6:112,069,359, C>T. VCF-style: chr6-112069359-C-T. GRCh37 (hg19) VCF-style: chr6-112390562-C-T.
Other names: c.804C>T, p.Cys268= (NM_003880.4).
Identifiers: ClinVar variation 2656858 (VCV002656858.27), dbSNP rs199512487, ClinGen allele CA3964111.
Genomic context (GRCh38, chr6:112,069,359, plus strand): 5'-TAAAATTTAAAGAATGACTTCATTTTATCTATCTTTTCAGATTCCCAAAGGAAAAACATG[C>T]CAACCTACTTTCCAACTCTCCAAAGCTGAAAAATTTGTCTTTTCTGGATGCTCAAGTACT-3'
Protein context (NP_937882.2, residues 258-278): KTIKIPKGKT[Cys268=]QPTFQLSKAE

ClinVar aggregate classification (germline): Likely benign. Review status: criteria provided, multiple submitters, no conflicts (2 of 4 stars). 2 submissions from 2 submitters: Likely benign (2). Last evaluated 2026-01-06.

Allele frequency attached by ClinVar (database versions not stated): gnomAD exomes 0.00004; gnomAD 0.00007; ExAC 0.00008; TOPMed 0.00011.
gnomAD v4.1: 71 of 1,613,210 alleles (0.0044%); highest among the groups gnomAD compares: Middle Eastern, 0.049%; no homozygotes.

Submissions (2):

Labcorp Genetics (formerly Invitae), Labcorp
Classification: Likely benign. Last evaluated: 2026-01-06. Review status: criteria provided, single submitter. Criteria: Invitae Variant Classification Sherloc (09022015). Collection method: clinical testing. Allele origin: germline.

CeGaT Center for Human Genetics Tuebingen
Classification: Likely benign. Last evaluated: 2022-04-01. Review status: criteria provided, single submitter. Criteria: CeGaT Center For Human Genetics Tuebingen Variant Classification Criteria Version 2. Collection method: clinical testing. Allele origin: germline. Affected: yes. Observed: 1 variant allele.
Comment: CCN6: BP4, BP7